The following is an entry in ClinVar:

ClinVar aggregate classification (germline): Uncertain significance (1 of 4 stars; one submission).

Conditions:
Hereditary cancer-predisposing syndrome. Also called: Neoplastic Syndromes, Hereditary; Tumor predisposition; Hereditary Cancer Syndrome; Hereditary neoplastic syndrome. Identifiers: Orphanet 140162, MedGen C0027672, MeSH D009386, MONDO:0015356.

Submission:

Ambry Genetics
Classification: Uncertain significance for Hereditary cancer-predisposing syndrome. Last evaluated: 2017-03-07. Review status: criteria provided, single submitter. Criteria: Ambry Variant Classification Scheme 2023. Collection method: clinical testing. Allele origin: germline.
Comment: The p.L750F variant (also known as c.2250A>T), located in coding exon 14 of the RAD50 gene, results from an A to T substitution at nucleotide position 2250. The leucine at codon 750 is replaced by phenylalanine, an amino acid with highly similar properties. This amino acid position is highly conserved in available vertebrate species. In addition, this alteration is predicted to be tolerated by in silico analysis. Since supporting evidence is limited at this time, the clinical significance of this alteration remains unclear.

NM_005732.4(RAD50):c.2250A>T (p.Leu750Phe)

Gene: RAD50 (RAD50 double strand break repair protein; plus strand). Cytogenetic location: 5q31.1.
Variant type: single nucleotide variant.
Coding change: c.2250A>T on transcript NM_005732.4 (MANE Select); coding-DNA position 2250, A replaced by T.
Protein change: p.Leu750Phe; replaces leucine 750 with phenylalanine.
Molecular consequence: missense variant.
Genome position (GRCh38, 1-based): chr5:132,603,342, A>T. VCF-style: chr5-132603342-A-T. GRCh37 (hg19) VCF-style: chr5-131939034-A-T.
Other names: short protein forms L750F.
Identifiers: ClinVar variation 484699 (VCV000484699.5), dbSNP rs1169921760, ClinGen allele CA360954009.